The following is an entry in ClinVar:

NM_021008.4(DEAF1):c.804+3A>G

Gene: DEAF1 (DEAF1 transcription factor; minus strand). Cytogenetic location: 11p15.5.
Variant type: single nucleotide variant.
Coding change: c.804+3A>G on transcript NM_021008.4 (MANE Select); 3 bases into the intron after coding-DNA position 804, A replaced by G.
Molecular consequence: intron variant.
Genome position (GRCh38, 1-based): chr11:686,855, T>C on the plus strand (A>G on the coding strand, the complement: DEAF1 is on the minus strand). VCF-style: chr11-686855-T-C. GRCh37 (hg19) VCF-style: chr11-686855-T-C.
Other names: c.78+3A>G (NM_001367390.1, NM_001440885.1, NM_001440887.1 and 1 more transcripts); c.664+1056A>G (NM_001293634.2); c.804+3A>G (NM_001440884.1, NM_001440883.1).
Identifiers: ClinVar variation 2141472 (VCV002141472.5), dbSNP rs1483091772, ClinGen allele CA679574341.
Genomic context (GRCh38, chr11:686,855, plus strand): 5'-GCCGCCTCAGAGGGCCCCACGTCTGAACTGTGTGCTGAGCACAGGTGAGGTCACGGACGA[T>C]ACCTGGATGAGGCACTGCAAGGGTCGGCCCGCGTAGCGAATGCTTCTTTTCCAGTCCTTA-3'

ClinVar aggregate classification (germline): Uncertain significance. Review status: criteria provided, multiple submitters, no conflicts (2 of 4 stars). 2 submissions from 2 submitters: Uncertain significance (2). Last evaluated 2026-02-02.

Conditions:
DEAF1-related disorder.

Allele frequency attached by ClinVar (database versions not stated): TOPMed below 0.00001; gnomAD exomes 0.00001.
gnomAD v4.1: 3 of 1,614,150 alleles (0.00019%); highest among the groups gnomAD compares: South Asian, 0.0011%; no homozygotes.

Submissions (2):

Labcorp Genetics (formerly Invitae), Labcorp
Classification: Uncertain significance. Last evaluated: 2026-02-02. Review status: criteria provided, single submitter. Criteria: Invitae Variant Classification Sherloc (09022015). Collection method: clinical testing. Allele origin: germline.
Comment: This sequence change falls in intron 5 of the DEAF1 gene. It does not directly change the encoded amino acid sequence of the DEAF1 protein. It affects a nucleotide within the consensus splice site. This variant is not present in population databases (gnomAD no frequency). This variant has not been reported in the literature in individuals affected with DEAF1-related conditions. ClinVar contains an entry for this variant (Variation ID: 2141472). Variants that disrupt the consensus splice site are a relatively common cause of aberrant splicing (PMID: 17576681, 9536098). Algorithms developed to predict the effect of sequence changes on RNA splicing suggest that this variant may disrupt the consensus splice site. In summary, the available evidence is currently insufficient to determine the role of this variant in disease. Therefore, it has been classified as a Variant of Uncertain Significance.

PreventionGenetics, part of Exact Sciences
Classification: Uncertain significance for DEAF1-related condition. Last evaluated: 2023-05-12. Review status: criteria provided, single submitter. Criteria: ACMG Guidelines, 2015. Collection method: clinical testing. Allele origin: germline.
Comment: The DEAF1 c.804+3A>G variant is predicted to interfere with splicing. This variant is predicted to alter splicing based on available splicing prediction programs (Alamut Visual Plus v1.6.1). However, variants impacting splicing within DEAF1 have no conclusively been reported as causative. To our knowledge, this variant has not been reported in the literature or in a large population database, indicating this variant is rare. While this variant may be causative, at this time, the clinical significance of this variant is uncertain due to the absence of conclusive functional and genetic evidence.

Literature cited by the submitters: PubMed 17576681 (cited by Labcorp Genetics (formerly Invitae), Labcorp); PubMed 9536098 (cited by Labcorp Genetics (formerly Invitae), Labcorp).